The following is an entry in ClinVar:

NM_000179.3(MSH6):c.2558A>G (p.Lys853Arg)

Gene: MSH6 (mutS homolog 6; plus strand). Cytogenetic location: 2p16.3.
Variant type: single nucleotide variant.
Coding change: c.2558A>G on transcript NM_000179.3 (MANE Select); coding-DNA position 2558, A replaced by G.
Protein change: p.Lys853Arg; replaces lysine 853 with arginine.
Molecular consequence: missense variant. On other transcripts: non-coding transcript variant (5), intron variant (3).
Genome position (GRCh38, 1-based): chr2:47,800,541, A>G. VCF-style: chr2-47800541-A-G. GRCh37 (hg19) VCF-style: chr2-48027680-A-G.
Other names: c.2168A>G, p.Lys723Arg (NM_001281492.2); c.1652A>G, p.Lys551Arg (NM_001281493.2, NM_001281494.2, NM_001406823.1 and 6 more transcripts); c.2654A>G, p.Lys885Arg (NM_001406795.1, NM_001406802.1); c.2558A>G, p.Lys853Arg (NM_001406796.1, NM_001406798.1, NM_001406800.1 and 2 more transcripts); c.2261A>G, p.Lys754Arg (NM_001406797.1, NM_001406801.1, NM_001406805.1 and 10 more transcripts); c.2033A>G, p.Lys678Arg (NM_001406799.1, NM_001406806.1, NM_001406807.1); c.2480A>G, p.Lys827Arg (NM_001406804.1); c.2390A>G, p.Lys797Arg (NM_001406826.1); and 4 more; short protein forms K551R, K678R, K723R, K797R, K885R, K827R, K853R, K855R.
Identifiers: ClinVar variation 2751826 (VCV002751826.4), dbSNP rs2104412563, ClinGen allele CA346754636.

ClinVar aggregate classification (germline): Uncertain significance. Review status: criteria provided, multiple submitters, no conflicts (2 of 4 stars). 2 submissions from 2 submitters: Uncertain significance (2). Last evaluated 2025-03-04.

Conditions:
Hereditary nonpolyposis colorectal neoplasms. Identifiers: MedGen C0009405, MeSH D003123.

Submissions (2):

Center for Genomic Medicine, Rigshospitalet, Copenhagen University Hospital
Classification: Uncertain significance. Last evaluated: 2025-03-04. Review status: criteria provided, single submitter. Criteria: ACMG Guidelines, 2015. Collection method: clinical testing. Allele origin: germline.

Labcorp Genetics (formerly Invitae), Labcorp
Classification: Uncertain significance for Hereditary nonpolyposis colorectal neoplasms. Last evaluated: 2023-10-24. Review status: criteria provided, single submitter. Criteria: Invitae Variant Classification Sherloc (09022015). Collection method: clinical testing. Allele origin: germline.
Comment: This sequence change replaces lysine, which is basic and polar, with arginine, which is basic and polar, at codon 853 of the MSH6 protein (p.Lys853Arg). This variant is not present in population databases (gnomAD no frequency). This variant has not been reported in the literature in individuals affected with MSH6-related conditions. Advanced modeling of protein sequence and biophysical properties (such as structural, functional, and spatial information, amino acid conservation, physicochemical variation, residue mobility, and thermodynamic stability) performed at Invitae indicates that this missense variant is not expected to disrupt MSH6 protein function with a negative predictive value of 95%. This variant disrupts the p.Lys853 amino acid residue in MSH6. Other variant(s) that disrupt this residue have been determined to be pathogenic (Invitae). This suggests that this residue is clinically significant, and that variants that disrupt this residue are likely to be disease-causing. In summary, the available evidence is currently insufficient to determine the role of this variant in disease. Therefore, it has been classified as a Variant of Uncertain Significance.